The following is an entry in ClinVar:

NM_015166.4(MLC1):c.177+1G>T

Gene: MLC1 (modulator of VRAC current 1; minus strand). Cytogenetic location: 22q13.33.
Variant type: single nucleotide variant.
Coding change: c.177+1G>T on transcript NM_015166.4 (MANE Select); the canonical splice donor site of the intron after coding-DNA position 177, G replaced by T.
Molecular consequence: splice donor variant. On other transcripts: intron variant (1).
Genome position (GRCh38, 1-based): chr22:50,084,725, C>A on the plus strand (G>T on the coding strand, the complement: MLC1 is on the minus strand). VCF-style: chr22-50084725-C-A. GRCh37 (hg19) VCF-style: chr22-50523154-C-A.
Other names: c.177+1G>T (NM_001376478.1, NM_139202.3, NM_001376477.1 and 11 more transcripts); c.-59+630G>T (NM_001376484.1).
Identifiers: ClinVar variation 548493 (VCV000548493.41), dbSNP rs1374593138, ClinGen allele CA412112212.
Genomic context (GRCh38, chr22:50,084,725, plus strand): 5'-TCCGTCACCAGAGGGACCAGATGCTCGTGGCCCTCCAAGGGCTTAGTGTGGAGCTACTCA[C>A]CCCCATCAGCACAGAGAAGACCCACGTCTTGTGGCTGAAGCAGGGGGGCAGTCTCTTCGA-3'

ClinVar aggregate classification (germline): Conflicting classifications of pathogenicity. Review status: criteria provided, conflicting classifications (1 of 4 stars). 6 submissions from 6 submitters: Pathogenic (4); Likely pathogenic (1); Uncertain significance (1). Last evaluated 2025-05-08.

Conditions:
Megalencephalic leukoencephalopathy with subcortical cysts. Also called: VAN DER KNAAP DISEASE. Identifiers: Orphanet 2478, MedGen C1858854, MONDO:0011391.
Megalencephalic leukoencephalopathy with subcortical cysts 1 (MLC1). Also called: LEUKOENCEPHALOPATHY WITH SWELLING AND CYSTS; VACUOLATING MEGALENCEPHALIC LEUKOENCEPHALOPATHY WITH SUBCORTICAL CYSTS. Identifiers: Orphanet 2478, MedGen C5779875, MONDO:0024555, OMIM 604004.
Abnormality of the nervous system. Also called: Congenital nervous system disorder. Identifiers: MedGen C0497552, MONDO:0002320, HP:0000707.

Allele frequency attached by ClinVar (database versions not stated): TOPMed below 0.00001; gnomAD 0.00001; gnomAD exomes 0.00001.
gnomAD v4.1: 5 of 1,613,750 alleles (0.00031%); highest among the groups gnomAD compares: Non-Finnish European, 0.00042%; no homozygotes.

Submissions (6):

Natera, Inc.
Classification: Likely pathogenic for Megalencephalic leukoencephalopathy with subcortical cysts. Last evaluated: 2025-05-08. Review status: criteria provided, single submitter. Criteria: Natera Variant Classification Schema (03/2026). Collection method: clinical testing. Allele origin: germline.
Comment: The c.177+1G>T variant in MLC1 is a canonical splice donor site variant predicted to affect pre-mRNA splicing, which may result in an abnormal transcript and altered protein product. This variant is expected to result in nonsense mediated decay, truncation, or a dysfunctional protein product. This variant is rare in the general population with a frequency below the threshold expected for the associated phenotype(s). This variant has been observed in at least one unaffected individual, with a zygosity that is consistent with the inheritance pattern for the associated condition (in gnomAD and/or literature). This variant has been observed in one or more individuals affected with the associated recessive disease, as either homozygous or compound heterozygous with a second variant (PMID: 37597066). Functional studies show that this variant may disrupt protein function (PMID: 32521795, 23851226). Given the available evidence, this variant is classified as Likely Pathogenic.

Institute of Medical Genetics and Applied Genomics, University Hospital Tübingen
Classification: Pathogenic for Megalencephalic leukoencephalopathy with subcortical cysts 1. Last evaluated: 2025-04-24. Review status: criteria provided, single submitter. Criteria: ACMG Guidelines, 2015. Collection method: clinical testing. Allele origin: germline. Inheritance: Autosomal recessive inheritance. Affected: yes.

Revvity Omics, Revvity
Classification: Pathogenic for Megalencephalic leukoencephalopathy with subcortical cysts 1. Last evaluated: 2025-03-20. Review status: criteria provided, single submitter. Criteria: ACMG Guidelines, 2015. Collection method: clinical testing. Allele origin: germline.

Labcorp Genetics (formerly Invitae), Labcorp
Classification: Pathogenic. Last evaluated: 2023-05-05. Review status: criteria provided, single submitter. Criteria: Invitae Variant Classification Sherloc (09022015). Collection method: clinical testing. Allele origin: germline.
Comment: For these reasons, this variant has been classified as Pathogenic. Algorithms developed to predict the effect of sequence changes on RNA splicing suggest that this variant may disrupt the consensus splice site. ClinVar contains an entry for this variant (Variation ID: 548493). Disruption of this splice site has been observed in individuals with megalencephalic leukoencephalopathy with subcortical cysts (PMID: 12939431, 27264811). This variant is not present in population databases (gnomAD no frequency). This sequence change affects a donor splice site in intron 2 of the MLC1 gene. It is expected to disrupt RNA splicing. Variants that disrupt the donor or acceptor splice site typically lead to a loss of protein function (PMID: 16199547), and loss-of-function variants in MLC1 are known to be pathogenic (PMID: 11254442, 16470554, 24824219).

Kariminejad - Najmabadi Pathology & Genetics Center
Classification: Pathogenic for Abnormality of the nervous system. Last evaluated: 2021-07-10. Review status: criteria provided, single submitter. Criteria: ACMG Guidelines, 2015. Collection method: clinical testing. Allele origin: germline. Affected: yes.

Genomic Research Center, Shahid Beheshti University of Medical Sciences
Classification: Uncertain significance for Megalencephalic leukoencephalopathy with subcortical cysts. Last evaluated: 2018-03-05. Review status: criteria provided, single submitter. Criteria: ACMG Guidelines, 2015. Collection method: clinical testing. Allele origin: inherited. Affected: yes. Observed: 1 variant allele.

Literature cited by the submitters: PubMed 37597066 (cited by Natera, Inc.); PubMed 32521795 (cited by Natera, Inc.); PubMed 23851226 (cited by Natera, Inc.); PubMed 12939431 (cited by Labcorp Genetics (formerly Invitae), Labcorp); PubMed 27264811 (cited by Labcorp Genetics (formerly Invitae), Labcorp); PubMed 16199547 (cited by Labcorp Genetics (formerly Invitae), Labcorp); PubMed 11254442 (cited by Labcorp Genetics (formerly Invitae), Labcorp); PubMed 16470554 (cited by Labcorp Genetics (formerly Invitae), Labcorp); PubMed 24824219 (cited by Labcorp Genetics (formerly Invitae), Labcorp).